The following is an entry in ClinVar:

ClinVar aggregate classification (germline): Likely benign. Review status: criteria provided, multiple submitters, no conflicts (2 of 4 stars). 2 submissions from 2 submitters: Likely benign (2). Last evaluated 2022-12-20.

Conditions:
Charcot-Marie-Tooth disease axonal type 2C (HMSN2C). Also called: CHARCOT-MARIE-TOOTH DISEASE, AXONAL, AUTOSOMAL DOMINANT, TYPE 2C; Charcot-Marie-Tooth Neuropathy Type 2C; Charcot-Marie-Tooth Disease Type 2, TRPV4-Related (CMT2C). Identifiers: Orphanet 99937, MedGen C1853710, MONDO:0011633, OMIM 606071.

gnomAD v4.1: 1 of 1,614,058 alleles (0.000062%); highest among the groups gnomAD compares: Non-Finnish European, 0.000085%; no homozygotes.

Submissions (2):

Labcorp Genetics (formerly Invitae), Labcorp
Classification: Likely benign for Charcot-Marie-Tooth disease axonal type 2C. Last evaluated: 2022-12-20. Review status: criteria provided, single submitter. Criteria: Invitae Variant Classification Sherloc (09022015). Collection method: clinical testing. Allele origin: germline.

GeneDx
Classification: Likely benign. Last evaluated: 2017-01-03. Review status: criteria provided, single submitter. Criteria: GeneDx Variant Classification (06012015). Collection method: clinical testing. Allele origin: germline. Affected: yes.
Comment: This variant is considered likely benign or benign based on one or more of the following criteria: it is a conservative change, it occurs at a poorly conserved position in the protein, it is predicted to be benign by multiple in silico algorithms, and/or has population frequency not consistent with disease.

NM_021625.5(TRPV4):c.2458+15G>T

Gene: TRPV4 (transient receptor potential cation channel subfamily V member 4; minus strand). Cytogenetic location: 12q24.11.
Variant type: single nucleotide variant.
Coding change: c.2458+15G>T on transcript NM_021625.5 (MANE Select); 15 bases into the intron after coding-DNA position 2458, G replaced by T.
Molecular consequence: intron variant.
Genome position (GRCh38, 1-based): chr12:109,784,301, C>A on the plus strand (G>T on the coding strand, the complement: TRPV4 is on the minus strand). VCF-style: chr12-109784301-C-A. GRCh37 (hg19) VCF-style: chr12-110222106-C-A.
Other names: c.2137+15G>T (NM_001177433.1); c.2317+15G>T (NM_001177428.1); c.2278+15G>T (NM_147204.2); c.2356+15G>T (NM_001177431.1).
Identifiers: ClinVar variation 392380 (VCV000392380.4), dbSNP rs372913114, ClinGen allele CA16606453.
Genomic context (GRCh38, chr12:109,784,301, plus strand): 5'-GAAGCAGGACTGCTCAAAGCAAATTCGTGATGAGAATGGACTGGGGCTCCCCTCCGCACC[C>A]GCCCCTCCACTCACCCCTGCGGAGGCGGCCCACGGTATGCGAGAAGCCATAATACTGGTA-3'